The following is an entry in ClinVar:

NM_004364.5(CEBPA):c.35G>A (p.Arg12Gln)

Genes: CEBPA (CCAAT enhancer binding protein alpha; minus strand), LOC130064183 (ATAC-STARR-seq lymphoblastoid silent region 10495; plus strand). Cytogenetic location: 19q13.11.
Variant type: single nucleotide variant.
Coding change: c.35G>A on transcript NM_004364.5 (MANE Select); coding-DNA position 35, G replaced by A.
Protein change: p.Arg12Gln; replaces arginine 12 with glutamine.
Molecular consequence: missense variant. On other transcripts: 5 prime UTR variant (2).
Genome position (GRCh38, 1-based): chr19:33,302,380, C>T on the plus strand (G>A on the coding strand, the complement: CEBPA is on the minus strand). VCF-style: chr19-33302380-C-T. GRCh37 (hg19) VCF-style: chr19-33793286-C-T.
Other names: c.-323G>A (NM_001285829.2); c.140G>A, p.Arg47Gln (NM_001287424.2); c.-8G>A (NM_001287435.2); short protein forms R12Q, R47Q.
Identifiers: ClinVar variation 4868691 (VCV004868691.1).

ClinVar aggregate classification (germline): Uncertain significance (1 of 4 stars; one submission).

Conditions:
Inborn genetic diseases. Identifiers: MedGen C0950123, MeSH D030342.

Submission:

Ambry Genetics
Classification: Uncertain significance for Inborn genetic diseases. Last evaluated: 2026-05-19. Review status: criteria provided, single submitter. Criteria: Ambry Variant Classification Scheme 2023. Collection method: clinical testing. Allele origin: germline.
Comment: The p.R12Q variant (also known as c.35G>A), located in coding exon 1 of the CEBPA gene, results from a G to A substitution at nucleotide position 35. The arginine at codon 12 is replaced by glutamine, an amino acid with highly similar properties. This amino acid position is well conserved in available vertebrate species. In addition, this alteration is predicted to be tolerated by in silico analysis. Based on the available evidence, the clinical significance of this variant remains unclear.